The following is an entry in ClinVar:

ClinVar aggregate classification (germline): Uncertain significance (1 of 4 stars; one submission).

Conditions:
Cataract 31 multiple types (CTRCT31). Also called: CATARACT 31, POSTERIOR POLAR. Identifiers: Orphanet 91492, MedGen C1854311, MONDO:0011547, OMIM 605387.

Submission:

Labcorp Genetics (formerly Invitae), Labcorp
Classification: Uncertain significance for Cataract 31 multiple types. Last evaluated: 2021-03-21. Review status: criteria provided, single submitter. Criteria: Invitae Variant Classification Sherloc (09022015). Collection method: clinical testing. Allele origin: germline.
Comment: This sequence change replaces glutamic acid with glutamine at codon 161 of the CHMP4B protein (p.Glu161Gln). The glutamic acid residue is highly conserved and there is a small physicochemical difference between glutamic acid and glutamine. This variant is not present in population databases (ExAC no frequency). In summary, the available evidence is currently insufficient to determine the role of this variant in disease. Therefore, it has been classified as a Variant of Uncertain Significance. This variant disrupts the p.Glu161 amino acid residue in CHMP4B. Other variant(s) that disrupt this residue have been determined to be pathogenic (PMID: 17701905). This suggests that this residue is clinically significant, and that variants that disrupt this residue are likely to be disease-causing. Algorithms developed to predict the effect of missense changes on protein structure and function are either unavailable or do not agree on the potential impact of this missense change (SIFT: "Deleterious"; PolyPhen-2: "Probably Damaging"; Align-GVGD: "Class C0"). This variant has been observed in individual(s) with congenital cataracts (Invitae).

Literature cited by the submitters: PubMed 17701905.

NM_176812.5(CHMP4B):c.481G>C (p.Glu161Gln)

Gene: CHMP4B (charged multivesicular body protein 4B; plus strand). Cytogenetic location: 20q11.22.
Variant type: single nucleotide variant.
Coding change: c.481G>C on transcript NM_176812.5 (MANE Select); coding-DNA position 481, G replaced by C.
Protein change: p.Glu161Gln; replaces glutamic acid 161 with glutamine.
Molecular consequence: missense variant.
Genome position (GRCh38, 1-based): chr20:33,851,064, G>C. VCF-style: chr20-33851064-G-C. GRCh37 (hg19) VCF-style: chr20-32438870-G-C.
Other names: short protein forms E161Q.
Identifiers: ClinVar variation 1473882 (VCV001473882.8), dbSNP rs118203966, ClinGen allele CA408920647.